The following is an entry in ClinVar:

ClinVar aggregate classification (germline): Uncertain significance (1 of 4 stars; one submission).

Conditions:
Inborn genetic diseases. Identifiers: MedGen C0950123, MeSH D030342.

Submission:

Ambry Genetics
Classification: Uncertain significance for Inborn genetic diseases. Last evaluated: 2025-08-19. Review status: criteria provided, single submitter. Criteria: Ambry Variant Classification Scheme 2023. Collection method: clinical testing. Allele origin: germline.
Comment: The p.A237V variant (also known as c.710C>T), located in coding exon 8 of the RTEL1 gene, results from a C to T substitution at nucleotide position 710. The alanine at codon 237 is replaced by valine, an amino acid with similar properties. This amino acid position is conserved. In addition, the in silico prediction for this alteration is inconclusive. Based on the available evidence, the clinical significance of this variant remains unclear.

NM_001283009.2(RTEL1):c.710C>T (p.Ala237Val)

Genes: RTEL1 (regulator of telomere elongation helicase 1; plus strand), RTEL1-TNFRSF6B (RTEL1-TNFRSF6B readthrough (NMD candidate); plus strand). Cytogenetic location: 20q13.33.
Variant type: single nucleotide variant.
Coding change: c.710C>T on transcript NM_001283009.2 (MANE Select); coding-DNA position 710, C replaced by T.
Protein change: p.Ala237Val; replaces alanine 237 with valine.
Molecular consequence: missense variant. On other transcripts: non-coding transcript variant (1).
Genome position (GRCh38, 1-based): chr20:63,672,566, C>T. VCF-style: chr20-63672566-C-T. GRCh37 (hg19) VCF-style: chr20-62303919-C-T.
Other names: c.41C>T, p.Ala14Val (NM_001283010.1); c.710C>T, p.Ala237Val (NM_016434.4); c.782C>T, p.Ala261Val (NM_032957.5); short protein forms A237V, A14V, A261V.
Identifiers: ClinVar variation 4157676 (VCV004157676.1).
Genomic context (GRCh38, chr20:63,672,566, plus strand): 5'-TCCCGGCCTCTGTGAGCTCCAGCGCTGCGTCCCTTCTCTTCCTCCTGTAGAGCCGCAGAG[C>T]ACACAACATTGACCTGAAGGGGACAGTCGTGATCTTTGACGAAGCTCACAACGTGGTGAG-3'
Protein context (NP_001269938.1, residues 227-247): NYLLDAKSRR[Ala237Val]HNIDLKGTVV